The following is an entry in ClinVar:

NM_001379500.1(COL18A1):c.3802C>T (p.Pro1268Ser)

Genes: COL18A1 (collagen type XVIII alpha 1 chain; plus strand), SLC19A1 (solute carrier family 19 member 1; minus strand). Cytogenetic location: 21q22.3.
Variant type: single nucleotide variant.
Coding change: c.3802C>T on transcript NM_001379500.1 (MANE Select); coding-DNA position 3802, C replaced by T.
Protein change: p.Pro1268Ser; replaces proline 1268 with serine.
Molecular consequence: missense variant.
Genome position (GRCh38, 1-based): chr21:45,511,219, C>T. VCF-style: chr21-45511219-C-T. GRCh37 (hg19) VCF-style: chr21-46931133-C-T.
Other names: c.4333C>T, p.Pro1445Ser (NM_030582.4); c.5038C>T, p.Pro1680Ser (NM_130444.3); short protein forms P1268S, P1445S, P1680S.
Identifiers: ClinVar variation 1374151 (VCV001374151.6), dbSNP rs2146141356, ClinGen allele CA410502069.

ClinVar aggregate classification (germline): Uncertain significance (1 of 4 stars; one submission).

Submission:

Labcorp Genetics (formerly Invitae), Labcorp
Classification: Uncertain significance. Last evaluated: 2022-07-12. Review status: criteria provided, single submitter. Criteria: Invitae Variant Classification Sherloc (09022015). Collection method: clinical testing. Allele origin: germline.
Comment: ClinVar contains an entry for this variant (Variation ID: 1374151). This sequence change replaces proline with serine at codon 1265 of the COL18A1 protein (p.Pro1265Ser). Conservation of the proline residue is unknown and there is a moderate physicochemical difference between proline and serine. This variant is not present in population databases (gnomAD no frequency). This variant has not been reported in the literature in individuals affected with COL18A1-related conditions. Experimental studies and prediction algorithms are not available or were not evaluated, and the functional significance of this variant is currently unknown. In summary, the available evidence is currently insufficient to determine the role of this variant in disease. Therefore, it has been classified as a Variant of Uncertain Significance.